The following is an entry in ClinVar:

NM_003743.5(NCOA1):c.82G>C (p.Ala28Pro)

Gene: NCOA1 (nuclear receptor coactivator 1; plus strand). Cytogenetic location: 2p23.3.
Variant type: single nucleotide variant.
Coding change: c.82G>C on transcript NM_003743.5 (MANE Select); coding-DNA position 82, G replaced by C.
Protein change: p.Ala28Pro; replaces alanine 28 with proline.
Molecular consequence: missense variant.
Genome position (GRCh38, 1-based): chr2:24,658,759, G>C. VCF-style: chr2-24658759-G-C. GRCh37 (hg19) VCF-style: chr2-24881628-G-C.
Other names: c.82G>C, p.Ala28Pro (NM_001362950.1, NM_001362952.1, NM_001362954.1 and 3 more transcripts); short protein forms A28P.
Identifiers: ClinVar variation 3347486 (VCV003347486.1).

ClinVar aggregate classification (germline): Uncertain significance (0 of 4 stars; one submission).

Conditions:
NCOA1-related disorder. Also called: NCOA1-related condition.

gnomAD v4.1: 1 of 1,613,958 alleles (0.000062%); highest among the groups gnomAD compares: Admixed American, 0.0017%; no homozygotes.

Submission:

PreventionGenetics, part of Exact Sciences
Classification: Uncertain significance for NCOA1-related condition. Last evaluated: 2024-06-07. Review status: no assertion criteria provided. Collection method: clinical testing. Allele origin: germline.
Comment: The NCOA1 c.82G>C variant is predicted to result in the amino acid substitution p.Ala28Pro. To our knowledge, this variant has not been reported in the literature or in a large population database, indicating this variant is rare. At this time, the clinical significance of this variant is uncertain due to the absence of conclusive functional and genetic evidence.